The following is an entry in ClinVar:

NM_000057.4(BLM):c.1923_1925del (p.His641_Glu642delinsGln)

Gene: BLM (BLM RecQ like helicase; plus strand). Cytogenetic location: 15q26.1.
Variant type: Deletion.
Coding change: c.1923_1925del on transcript NM_000057.4 (MANE Select); coding-DNA positions 1923 to 1925, 3 bases deleted (TGA; older notation c.1923_1925delTGA).
Protein change: p.His641_Glu642delinsGln.
Molecular consequence: inframe indel.
Genome position (GRCh38, 1-based): chr15:90,763,006-90,763,008, TGA deleted; deleting any 3 consecutive bases within chr15:90,763,005-90,763,008 gives the same sequence; the c. name uses the placement nearest the transcript's 3' end. VCF-style (leftmost placement, unchanged base first): chr15-90763004-CATG-C. GRCh37 (hg19) VCF-style: chr15-91306234-CATG-C.
Other names: c.1923_1925del, p.His641_Glu642delinsGln (NM_001287246.2, NM_001287247.2); c.798_800del, p.His266_Glu267delinsGln (NM_001287248.2).
Identifiers: ClinVar variation 1782714 (VCV001782714.4), dbSNP rs2505434597, ClinGen allele CA2580090484.

ClinVar aggregate classification (germline): Uncertain significance. Review status: criteria provided, multiple submitters, no conflicts (2 of 4 stars). 2 submissions from 2 submitters: Uncertain significance (2). Last evaluated 2026-02-16.

Conditions:
Hereditary cancer-predisposing syndrome. Also called: Neoplastic Syndromes, Hereditary; Tumor predisposition; Hereditary neoplastic syndrome; Hereditary Cancer Syndrome. Identifiers: Orphanet 140162, MedGen C0027672, MeSH D009386, MONDO:0015356.

Submissions (2):

Dasa
Classification: Uncertain significance. Last evaluated: 2026-02-16. Review status: criteria provided, single submitter. Criteria: DASA Assertion Criteria. Collection method: clinical testing. Allele origin: germline.
Comment: NM_000057.4(BLM):c.1923_1925del (p.His641_Glu642delinsGln) is an in-frame insertion/deletion-insertion predicted to alter the protein sequence without shifting the reading frame. This variant is rare in population databases. The currently available literature and clinical evidence are not sufficient to establish a definitive association between this variant and the reported condition. Therefore, this variant is classified as a variant of uncertain significance.

Ambry Genetics
Classification: Uncertain significance for Hereditary cancer-predisposing syndrome. Last evaluated: 2021-02-02. Review status: criteria provided, single submitter. Criteria: Ambry Variant Classification Scheme 2023. Collection method: clinical testing. Allele origin: germline.
Comment: The c.1923_1925delTGA variant (also known as p.H641_E642delinsQ) is located in coding exon 7 of the BLM gene. This variant results from an in-frame TGA deletion at nucleotide positions 1923 to 1925. The histidine and glutamate residues at codons 641 and 642 are replaced by glutamine. These amino acid positions are well conserved in available vertebrate species. In addition, this alteration is predicted to be deleterious by in silico analysis (Choi Y et al. PLoS ONE. 2012; 7(10):e46688). Since supporting evidence is limited at this time, the clinical significance of this alteration remains unclear.